The following is an entry in ClinVar:

ClinVar aggregate classification (germline): Uncertain significance (1 of 4 stars; one submission).

Submission:

Labcorp Genetics (formerly Invitae), Labcorp
Classification: Uncertain significance. Last evaluated: 2025-04-30. Review status: criteria provided, single submitter. Criteria: Invitae Variant Classification Sherloc (09022015). Collection method: clinical testing. Allele origin: germline.
Comment: This sequence change replaces tyrosine, which is neutral and polar, with asparagine, which is neutral and polar, at codon 597 of the TNNI3K protein (p.Tyr597Asn). This variant is not present in population databases (gnomAD no frequency). This variant has not been reported in the literature in individuals affected with TNNI3K-related conditions. An algorithm developed to predict the effect of missense changes on protein structure and function (PolyPhen-2) suggests that this variant is likely to be tolerated. In summary, the available evidence is currently insufficient to determine the role of this variant in disease. Therefore, it has been classified as a Variant of Uncertain Significance.

NM_015978.3(TNNI3K):c.1789T>A (p.Tyr597Asn)

Genes: FPGT-TNNI3K (FPGT-TNNI3K readthrough; plus strand), TNNI3K (TNNI3 interacting kinase; plus strand). Cytogenetic location: 1p31.1.
Variant type: single nucleotide variant.
Coding change: c.1789T>A on transcript NM_015978.3 (MANE Select); coding-DNA position 1789, T replaced by A.
Protein change: p.Tyr597Asn; replaces tyrosine 597 with asparagine.
Molecular consequence: missense variant.
Genome position (GRCh38, 1-based): chr1:74,436,096, T>A. VCF-style: chr1-74436096-T-A. GRCh37 (hg19) VCF-style: chr1-74901780-T-A.
Other names: c.2092T>A, p.Tyr698Asn (NM_001112808.3, NM_001199327.2); short protein forms Y597N, Y698N.
Identifiers: ClinVar variation 4779145 (VCV004779145.1).